The following is an entry in ClinVar:

ClinVar aggregate classification (germline): Uncertain significance (1 of 4 stars; one submission).

Conditions:
Inborn genetic diseases. Identifiers: MedGen C0950123, MeSH D030342.

Submission:

Ambry Genetics
Classification: Uncertain significance for Inborn genetic diseases. Last evaluated: 2026-04-23. Review status: criteria provided, single submitter. Criteria: Ambry Variant Classification Scheme 2023. Collection method: clinical testing. Allele origin: germline.
Comment: The c.1198_1200delCGCinsTGT variant, located in coding exon 11 of the DDX41 gene, results from an in-frame deletion of CGC and insertion of TGT at nucleotide positions 1198 to 1200. This results in the substitution of the arginine residue for a cysteine residue at codon 400, an amino acid with highly dissimilar properties. This amino acid position is highly conserved in available vertebrate species. In addition, the in silico prediction for this variant is inconclusive. Based on the available evidence, the clinical significance of this variant remains unclear.

NM_016222.4(DDX41):c.1198_1200delinsTGT (p.Arg400Cys)

Gene: DDX41 (DEAD-box helicase 41; minus strand). Cytogenetic location: 5q35.3.
Variant type: Indel.
Coding change: c.1198_1200delinsTGT on transcript NM_016222.4 (MANE Select); coding-DNA positions 1198 to 1200, CGC replaced by TGT.
Protein change: p.Arg400Cys; replaces arginine 400 with cysteine.
Molecular consequence: missense variant.
Genome position (GRCh38, 1-based): chr5:177,513,383-177,513,385, GCG replaced by ACA on the plus strand (CGC replaced by TGT on the coding strand, the reverse complement: DDX41 is on the minus strand). VCF-style: chr5-177513383-GCG-ACA. GRCh37 (hg19) VCF-style: chr5-176940384-GCG-ACA.
Other names: c.820_822delinsTGT, p.Arg274Cys (NM_001321732.2, NM_001321830.2); short protein forms R274C, R400C.
Identifiers: ClinVar variation 4869649 (VCV004869649.1).